The following is an entry in ClinVar:

NM_031229.4(RBCK1):c.1069G>A (p.Gly357Ser)

Gene: RBCK1 (RANBP2-type and C3HC4-type zinc finger containing 1; plus strand). Cytogenetic location: 20p13.
Variant type: single nucleotide variant.
Coding change: c.1069G>A on transcript NM_031229.4 (MANE Select); coding-DNA position 1069, G replaced by A.
Protein change: p.Gly357Ser; replaces glycine 357 with serine.
Molecular consequence: missense variant. On other transcripts: non-coding transcript variant (1).
Genome position (GRCh38, 1-based): chr20:427,352, G>A. VCF-style: chr20-427352-G-A. GRCh37 (hg19) VCF-style: chr20-407996-G-A.
Other names: c.559G>A, p.Gly187Ser (NM_001323956.2, NM_001323958.2); c.943G>A, p.Gly315Ser (NM_006462.6); short protein forms G187S, G315S, G357S.
Identifiers: ClinVar variation 1349575 (VCV001349575.6), dbSNP rs2122324503, ClinGen allele CA407933813.

ClinVar aggregate classification (germline): Uncertain significance (1 of 4 stars; one submission).

Conditions:
Polyglucosan body myopathy type 1 (PGBM1). Also called: Polyglucosan body myopathy 1 with or without immunodeficiency; POLYGLUCOSAN BODY MYOPATHY WITHOUT IMMUNODEFICIENCY. Identifiers: Orphanet 329173, Orphanet 397937, MedGen C4014605, MONDO:0014389, OMIM 615895.

Submission:

Labcorp Genetics (formerly Invitae), Labcorp
Classification: Uncertain significance for Polyglucosan body myopathy type 1. Last evaluated: 2023-12-07. Review status: criteria provided, single submitter. Criteria: Invitae Variant Classification Sherloc (09022015). Collection method: clinical testing. Allele origin: germline.
Comment: This sequence change replaces glycine, which is neutral and non-polar, with serine, which is neutral and polar, at codon 357 of the RBCK1 protein (p.Gly357Ser). This variant is not present in population databases (gnomAD no frequency). This variant has not been reported in the literature in individuals affected with RBCK1-related conditions. ClinVar contains an entry for this variant (Variation ID: 1349575). Advanced modeling of protein sequence and biophysical properties (such as structural, functional, and spatial information, amino acid conservation, physicochemical variation, residue mobility, and thermodynamic stability) performed at Invitae indicates that this missense variant is not expected to disrupt RBCK1 protein function with a negative predictive value of 80%. In summary, the available evidence is currently insufficient to determine the role of this variant in disease. Therefore, it has been classified as a Variant of Uncertain Significance.